The following is an entry in ClinVar:

ClinVar aggregate classification (germline): Uncertain significance (1 of 4 stars; one submission).

Conditions:
Pontocerebellar hypoplasia type 9. Identifiers: Orphanet 369920, MedGen C4014354, MONDO:0014351, OMIM 615809.
Hereditary spastic paraplegia 63. Also called: Spastic paraplegia 63, autosomal recessive. Identifiers: Orphanet 401805, MedGen C3810295, MONDO:0014305, OMIM 615686.

Allele frequency attached by ClinVar (database versions not stated): gnomAD exomes below 0.00001; TOPMed below 0.00001; ExAC 0.00001; gnomAD 0.00001.

Submission:

Labcorp Genetics (formerly Invitae), Labcorp
Classification: Uncertain significance for Pontocerebellar hypoplasia type 9; Hereditary spastic paraplegia 63. Last evaluated: 2024-06-17. Review status: criteria provided, single submitter. Criteria: Invitae Variant Classification Sherloc (09022015). Collection method: clinical testing. Allele origin: germline.
Comment: This sequence change affects the initiator methionine of the AMPD2 mRNA. The next in-frame methionine is located at codon 55. This variant is present in population databases (rs769851350, gnomAD 0.004%). This variant has not been reported in the literature in individuals affected with AMPD2-related conditions. ClinVar contains an entry for this variant (Variation ID: 1484677). Experimental studies and prediction algorithms are not available or were not evaluated, and the functional significance of this variant is currently unknown. In summary, the available evidence is currently insufficient to determine the role of this variant in disease. Therefore, it has been classified as a Variant of Uncertain Significance.

NM_001368809.2(AMPD2):c.-161T>G

Gene: AMPD2 (adenosine monophosphate deaminase 2; plus strand). Cytogenetic location: 1p13.3.
Variant type: single nucleotide variant.
Coding change: c.-161T>G on transcript NM_001368809.2 (MANE Select); 161 bases upstream of the start codon, T replaced by G.
Molecular consequence: 5 prime UTR variant. On other transcripts: intron variant (1).
Genome position (GRCh38, 1-based): chr1:109,621,015, T>G. VCF-style: chr1-109621015-T-G. GRCh37 (hg19) VCF-style: chr1-110163637-T-G.
Other names: c.-93T>G (NM_001308170.1); c.10+737T>G (NM_139156.4).
Identifiers: ClinVar variation 1484677 (VCV001484677.6), dbSNP rs769851350, ClinGen allele CA992574.
Genomic context (GRCh38, chr1:109,621,015, plus strand): 5'-GCAGGGGAGGGATAAGGGGCAGAGATGGAGGCCCCACTCCCCGAGGTTGCCTAGACAACA[T>G]GAGAAATCGTGGCCAGGGCCTCTTCCGCCTGCGGAGCCGCTGCTTCCTGCATCAGTCACT-3'